The following is an entry in ClinVar:

NM_144687.4(NLRP12):c.2992C>A (p.Gln998Lys)

Gene: NLRP12 (NLR family pyrin domain containing 12; minus strand). Cytogenetic location: 19q13.42.
Variant type: single nucleotide variant.
Coding change: c.2992C>A on transcript NM_144687.4 (MANE Select); coding-DNA position 2992, C replaced by A.
Protein change: p.Gln998Lys; replaces glutamine 998 with lysine.
Molecular consequence: missense variant.
Genome position (GRCh38, 1-based): chr19:53,795,965, G>T on the plus strand (C>A on the coding strand, the complement: NLRP12 is on the minus strand). VCF-style: chr19-53795965-G-T. GRCh37 (hg19) VCF-style: chr19-54299219-G-T.
Other names: c.2995C>A, p.Gln999Lys (NM_001277126.2); c.2821C>A, p.Gln941Lys (NM_001277129.1); c.2992C>A (NM_144687.3, NM_144687.2); short protein forms Q941K, Q998K, Q999K.
Identifiers: ClinVar variation 1016975 (VCV001016975.9), dbSNP rs770386298, ClinGen allele CA9638810.

ClinVar aggregate classification (germline): Uncertain significance. Review status: criteria provided, multiple submitters, no conflicts (2 of 4 stars). 4 submissions from 4 submitters: Uncertain significance (4). Last evaluated 2026-02-10.

Conditions:
NLRP12-related disorder. Also called: NLRP12-related condition; NLRP12-related conditions.
Familial cold autoinflammatory syndrome 2 (FCAS2). Identifiers: Orphanet 247868, MedGen C2673198, MONDO:0012724, OMIM 611762.
Inborn genetic diseases. Identifiers: MedGen C0950123, MeSH D030342.

Allele frequency attached by ClinVar (database versions not stated): gnomAD exomes 0.00001 and 0.00002; ExAC 0.00002.
gnomAD v4.1: 9 of 1,614,154 alleles (0.00056%); highest among the groups gnomAD compares: Non-Finnish European, 0.00076%; 1 homozygote.

Submissions (4):

PreventionGenetics, part of Exact Sciences
Classification: Uncertain significance for NLRP12-related condition. Last evaluated: 2026-02-10. Review status: criteria provided, single submitter. Criteria: ACMG Guidelines, 2015. Collection method: clinical testing. Allele origin: germline.
Comment: The NLRP12 c.2992C>A variant is predicted to result in the amino acid substitution p.Gln998Lys. To our knowledge, this variant has not been reported in the literature. This variant is reported in 0.0018% of alleles in individuals of European (Non-Finnish) descent in gnomAD. At this time, the clinical significance of this variant is uncertain due to the absence of conclusive functional and genetic evidence.

Ambry Genetics
Classification: Uncertain significance for Inborn genetic diseases. Last evaluated: 2024-12-13. Review status: criteria provided, single submitter. Criteria: Ambry Variant Classification Scheme 2023. Collection method: clinical testing. Allele origin: germline.

Blueprint Genetics
Classification: Uncertain significance. Last evaluated: 2024-11-13. Review status: criteria provided, single submitter. Criteria: ACMG Guidelines, 2015. Collection method: clinical testing. Allele origin: germline.

Labcorp Genetics (formerly Invitae), Labcorp
Classification: Uncertain significance for Familial cold autoinflammatory syndrome 2. Last evaluated: 2024-10-24. Review status: criteria provided, single submitter. Criteria: Invitae Variant Classification Sherloc (09022015). Collection method: clinical testing. Allele origin: germline.
Comment: This sequence change replaces glutamine, which is neutral and polar, with lysine, which is basic and polar, at codon 998 of the NLRP12 protein (p.Gln998Lys). This variant is present in population databases (rs770386298, gnomAD 0.003%). This variant has not been reported in the literature in individuals affected with NLRP12-related conditions. ClinVar contains an entry for this variant (Variation ID: 1016975). Experimental studies and prediction algorithms are not available or were not evaluated, and the functional significance of this variant is currently unknown. In summary, the available evidence is currently insufficient to determine the role of this variant in disease. Therefore, it has been classified as a Variant of Uncertain Significance.